The following is an entry in ClinVar:

NM_020800.3(IFT80):c.131C>A (p.Thr44Asn)

Genes: IFT80 (intraflagellar transport 80; minus strand), TRIM59-IFT80 (TRIM59-IFT80 readthrough (NMD candidate); minus strand). Cytogenetic location: 3q25.33.
Variant type: single nucleotide variant.
Coding change: c.131C>A on transcript NM_020800.3 (MANE Select); coding-DNA position 131, C replaced by A.
Protein change: p.Thr44Asn; replaces threonine 44 with asparagine.
Molecular consequence: missense variant. On other transcripts: non-coding transcript variant (2), 5 prime UTR variant (2).
Genome position (GRCh38, 1-based): chr3:160,381,631, G>T on the plus strand (C>A on the coding strand, the complement: IFT80 is on the minus strand). VCF-style: chr3-160381631-G-T. GRCh37 (hg19) VCF-style: chr3-160099419-G-T.
Other names: c.-281C>A (NM_001190241.2, NM_001190242.2); short protein forms T44N.
Identifiers: ClinVar variation 1026484 (VCV001026484.7), dbSNP rs1712527833, ClinGen allele CA355195003.
Genomic context (GRCh38, chr3:160,381,631, plus strand): 5'-CAGTGAAAATCAATAGGGTAAATATCATCAGGAAGCTTTACTATTTGAGTTGTTTCACTG[G>T]TTAACAAGTTCCACTTCACTATCTGGTGATCATCACTACATGAATACAGCTCTTCAGCAG-3'
Protein context (NP_065851.1, residues 34-54): DHQIVKWNLL[Thr44Asn]SETTQIVKLP

ClinVar aggregate classification (germline): Uncertain significance. Review status: criteria provided, multiple submitters, no conflicts (2 of 4 stars). 2 submissions from 2 submitters: Uncertain significance (2). Last evaluated 2024-01-30.

Conditions:
Jeune thoracic dystrophy. Also called: Jeune syndrome; Infantile thoracic dystrophy; Thoracic pelvic phalangeal dystrophy; Jeune's syndrome; Chondroectodermal dysplasia-like syndrome; Short-rib thoracic dysplasia. Identifiers: Orphanet 474, MedGen C0265275, MONDO:0018770.
Asphyxiating thoracic dystrophy 2 (SRTD2). Also called: SHORT-RIB THORACIC DYSPLASIA 2 WITH OR WITHOUT POLYDACTYLY; SHORT-RIB THORACIC DYSPLASIA 2 WITH POLYDACTYLY; SHORT-RIB THORACIC DYSPLASIA 2 WITHOUT POLYDACTYLY. Identifiers: Orphanet 474, MedGen C1970005, MONDO:0012644, OMIM 611263.

Allele frequency attached by ClinVar (database versions not stated): gnomAD exomes below 0.00001; TOPMed 0.00001.
gnomAD v4.1: 1 of 1,612,700 alleles (0.000062%); highest among the groups gnomAD compares: Non-Finnish European, 0.000085%; no homozygotes.

Submissions (2):

Fulgent Genetics
Classification: Uncertain significance for Asphyxiating thoracic dystrophy 2. Last evaluated: 2024-01-30. Review status: criteria provided, single submitter. Criteria: ACMG Guidelines, 2015. Collection method: clinical testing. Allele origin: germline.

Labcorp Genetics (formerly Invitae), Labcorp
Classification: Uncertain significance for Jeune thoracic dystrophy. Last evaluated: 2022-02-10. Review status: criteria provided, single submitter. Criteria: Invitae Variant Classification Sherloc (09022015). Collection method: clinical testing. Allele origin: germline.
Comment: This sequence change replaces threonine, which is neutral and polar, with asparagine, which is neutral and polar, at codon 44 of the IFT80 protein (p.Thr44Asn). This variant is not present in population databases (gnomAD no frequency). This variant has not been reported in the literature in individuals affected with IFT80-related conditions. ClinVar contains an entry for this variant (Variation ID: 1026484). Algorithms developed to predict the effect of missense changes on protein structure and function are either unavailable or do not agree on the potential impact of this missense change (SIFT: "Deleterious"; PolyPhen-2: "Benign"; Align-GVGD: "Class C0"). In summary, the available evidence is currently insufficient to determine the role of this variant in disease. Therefore, it has been classified as a Variant of Uncertain Significance.